The following is an entry in ClinVar:

ClinVar aggregate classification (germline): Uncertain significance (1 of 4 stars; one submission).

Conditions:
Hereditary cancer-predisposing syndrome. Also called: Tumor predisposition; Neoplastic Syndromes, Hereditary; Hereditary neoplastic syndrome; Hereditary Cancer Syndrome. Identifiers: Orphanet 140162, MedGen C0027672, MeSH D009386, MONDO:0015356.

Submission:

Ambry Genetics
Classification: Uncertain significance for Hereditary cancer-predisposing syndrome. Last evaluated: 2025-08-27. Review status: criteria provided, single submitter. Criteria: Ambry Variant Classification Scheme 2023. Collection method: clinical testing. Allele origin: germline.
Comment: The p.S406T variant (also known as c.1216T>A), located in coding exon 13 of the MUTYH gene, results from a T to A substitution at nucleotide position 1216. The serine at codon 406 is replaced by threonine, an amino acid with similar properties. This amino acid position is conserved. In addition, this alteration is predicted to be tolerated by in silico analysis. Based on the available evidence, the clinical significance of this variant remains unclear.

NM_001048174.2(MUTYH):c.1132T>A (p.Ser378Thr)

Gene: MUTYH (mutY DNA glycosylase; minus strand). Cytogenetic location: 1p34.1.
Variant type: single nucleotide variant.
Coding change: c.1132T>A on transcript NM_001048174.2 (MANE Select); coding-DNA position 1132, T replaced by A.
Protein change: p.Ser378Thr; replaces serine 378 with threonine.
Molecular consequence: missense variant. On other transcripts: non-coding transcript variant (7).
Genome position (GRCh38, 1-based): chr1:45,331,527, A>T on the plus strand (T>A on the coding strand, the complement: MUTYH is on the minus strand). VCF-style: chr1-45331527-A-T. GRCh37 (hg19) VCF-style: chr1-45797199-A-T.
Other names: c.1132T>A, p.Ser378Thr (NM_001048171.2, NM_001048173.2, NM_001293195.2 and 6 more transcripts); c.1135T>A, p.Ser379Thr (NM_001048172.2, NM_001407071.1, NM_001407078.1 and 1 more transcripts); c.1216T>A, p.Ser406Thr (NM_001128425.2); c.1177T>A, p.Ser393Thr (NM_001293190.2); c.1165T>A, p.Ser389Thr (NM_001293191.2, NM_001407069.1, NM_001407077.1); c.856T>A, p.Ser286Thr (NM_001293192.2, NM_001293196.2, NM_001407091.1); c.787T>A, p.Ser263Thr (NM_001350650.2, NM_001350651.2, NM_001407082.1); c.1048T>A, p.Ser350Thr (NM_001407075.1); and 5 more; short protein forms S263T, S385T, S389T, S392T, S286T, S364T, S378T, S379T.
Identifiers: ClinVar variation 4113086 (VCV004113086.1).